The following is an entry in ClinVar:

NM_001267550.2(TTN):c.104534C>T (p.Pro34845Leu)

Genes: TTN (titin; minus strand), TTN-AS1 (TTN antisense RNA 1; plus strand). Cytogenetic location: 2q31.2.
Variant type: single nucleotide variant.
Coding change: c.104534C>T on transcript NM_001267550.2 (MANE Select); coding-DNA position 104534, C replaced by T.
Protein change: p.Pro34845Leu; replaces proline 34845 with leucine.
Molecular consequence: missense variant.
Genome position (GRCh38, 1-based): chr2:178,532,081, G>A on the plus strand (C>T on the coding strand, the complement: TTN is on the minus strand). VCF-style: chr2-178532081-G-A. GRCh37 (hg19) VCF-style: chr2-179396808-G-A.
Other names: c.99611C>T, p.Pro33204Leu (NM_001256850.1); c.77339C>T, p.Pro25780Leu (NM_003319.4); c.96830C>T, p.Pro32277Leu (NM_133378.4); c.77714C>T, p.Pro25905Leu (NM_133432.3); c.77915C>T, p.Pro25972Leu (NM_133437.4); short protein forms P32277L, P25972L, P25780L, P25905L, P33204L, P34845L.
Identifiers: ClinVar variation 4986063 (VCV004986063.1).
Genomic context (GRCh38, chr2:178,532,081, plus strand): 5'-GCCGGTTGTGGACGTGACCGGATCAGCTCAGACACTGGCCTCATTAACTCAATATAAGTT[G>A]GAGACAGGGAGCGCCGTCGTCTCAGTAGTCTAGACGCAGATGAGGATGATTCTCTTTGAG-3'
Protein context (NP_001254479.2, residues 34835-34855): RLLRRRRSLS[Pro34845Leu]TYIELMRPVS

ClinVar aggregate classification (germline): Uncertain significance (1 of 4 stars; one submission).

Conditions:
TTN-related disorder. Also called: TTN-related disorders; TTN-related condition; TTN-related disease.

gnomAD v4.1: 8 of 1,613,936 alleles (0.0005%); highest among the groups gnomAD compares: African/African-American, 0.0013%; no homozygotes.

Submission:

PreventionGenetics, part of Exact Sciences
Classification: Uncertain significance for TTN-related condition. Last evaluated: 2025-05-15. Review status: criteria provided, single submitter. Criteria: ACMG Guidelines, 2015. Collection method: clinical testing. Allele origin: germline.
Comment: The TTN c.104534C>T variant is predicted to result in the amino acid substitution p.Pro34845Leu. To our knowledge, this variant has not been reported in the literature. This variant is reported in 0.0065% of alleles in individuals of African descent in gnomAD. At this time, the clinical significance of this variant is uncertain due to the absence of conclusive functional and genetic evidence.